The following is an entry in ClinVar:

NM_001377.3(DYNC2H1):c.12647A>G (p.Lys4216Arg)

Gene: DYNC2H1 (dynein cytoplasmic 2 heavy chain 1; plus strand). Cytogenetic location: 11q22.3.
Variant type: single nucleotide variant.
Coding change: c.12647A>G on transcript NM_001377.3 (MANE Select); coding-DNA position 12647, A replaced by G.
Protein change: p.Lys4216Arg; replaces lysine 4216 with arginine.
Molecular consequence: missense variant.
Genome position (GRCh38, 1-based): chr11:103,456,355, A>G. VCF-style: chr11-103456355-A-G. GRCh37 (hg19) VCF-style: chr11-103327083-A-G.
Other names: c.12668A>G, p.Lys4223Arg (NM_001080463.2); short protein forms K4216R, K4223R.
Identifiers: ClinVar variation 3911943 (VCV003911943.2).
Genomic context (GRCh38, chr11:103,456,355, plus strand): 5'-ATAGCCTTAAATTTGTAGCCTCATGGAAAGGTCGACTGCAAGAAGCAAAGCTACAAATTA[A>G]GGTACTAGACTAATTTTAGATCTTGGAATCTCAGCCTTATCACCAACTGATATAAGAGAT-3'
Protein context (NP_001368.2, residues 4206-4226): GRLQEAKLQI[Lys4216Arg]ISGLLLEGCS

ClinVar aggregate classification (germline): Uncertain significance (1 of 4 stars; one submission).

gnomAD v4.1: 1 of 1,591,874 alleles (0.000063%); highest among the groups gnomAD compares: Non-Finnish European, 0.000086%; no homozygotes.

Submission:

Women's Health and Genetics/Laboratory Corporation of America, LabCorp
Classification: Uncertain significance. Last evaluated: 2025-07-03. Review status: criteria provided, single submitter. Criteria: LabCorp Variant Classification Summary - May 2015. Collection method: clinical testing. Allele origin: germline.
Comment: Variant summary: DYNC2H1 c.12668A>G (p.Lys4223Arg) results in a conservative amino acid change in the encoded protein sequence. Algorithms developed to predict the effect of missense changes on protein structure and function are either unavailable or do not agree on the potential impact of this missense change. Several computational tools predict a significant impact on normal splicing: Three predict the variant abolishes a 5' splicing donor site. One predict the variant weakens a 5' donor site. However, these predictions have yet to be confirmed by functional studies. The frequency data for this variant in gnomAD is considered unreliable, as metrics indicate poor data quality at this position. To our knowledge, no occurrence of c.12668A>G in individuals affected with Short-rib thoracic dysplasia and no experimental evidence demonstrating its impact on protein function have been reported. No submitters have cited clinical-significance assessments for this variant to ClinVar. Based on the evidence outlined above, the variant was classified as uncertain significance.